The following is an entry in ClinVar:

NM_000834.5(GRIN2B):c.2410G>A (p.Glu804Lys)

Gene: GRIN2B (glutamate ionotropic receptor NMDA type subunit 2B; minus strand). Cytogenetic location: 12p13.1.
Variant type: single nucleotide variant.
Coding change: c.2410G>A on transcript NM_000834.5 (MANE Select); coding-DNA position 2410, G replaced by A.
Protein change: p.Glu804Lys; replaces glutamic acid 804 with lysine.
Molecular consequence: missense variant.
Genome position (GRCh38, 1-based): chr12:13,567,213, C>T on the plus strand (G>A on the coding strand, the complement: GRIN2B is on the minus strand). VCF-style: chr12-13567213-C-T. GRCh37 (hg19) VCF-style: chr12-13720147-C-T.
Other names: short protein forms E804K.
Identifiers: ClinVar variation 1408815 (VCV001408815.6), dbSNP rs1555103172, ClinGen allele CA383996654.

ClinVar aggregate classification (germline): Pathogenic (1 of 4 stars; one submission).

Conditions:
Intellectual developmental disorder, autosomal dominant 6, with or without seizures. Also called: GRIN2B-related developmental delay, intellectual disability and autism spectrum disorder; Intellectual disability, autosomal dominant 6. Identifiers: Orphanet 589547, MedGen C3151411, MONDO:0013509, OMIM 613970.
Developmental and epileptic encephalopathy, 27 (DEE27). Also called: GRIN2B-Related Neurodevelopmental Disorder; Epileptic encephalopathy, early infantile, 27. Identifiers: Orphanet 3451, MedGen C4015316, MONDO:0014505, OMIM 616139.

Submission:

Labcorp Genetics (formerly Invitae), Labcorp
Classification: Pathogenic for Developmental and epileptic encephalopathy, 27; Intellectual developmental disorder, autosomal dominant 6, with or without seizures. Last evaluated: 2021-12-28. Review status: criteria provided, single submitter. Criteria: Invitae Variant Classification Sherloc (09022015). Collection method: clinical testing. Allele origin: germline.
Comment: For these reasons, this variant has been classified as Pathogenic. This sequence change replaces glutamic acid, which is acidic and polar, with lysine, which is basic and polar, at codon 804 of the GRIN2B protein (p.Glu804Lys). This variant is not present in population databases (gnomAD no frequency). This missense change has been observed in individual(s) with clinical features of GRIN2B-related conditions (Invitae). In at least one individual the variant was observed to be de novo. Advanced modeling of protein sequence and biophysical properties (such as structural, functional, and spatial information, amino acid conservation, physicochemical variation, residue mobility, and thermodynamic stability) performed at Invitae indicates that this missense variant is expected to disrupt GRIN2B protein function.